The following is an entry in ClinVar:

ClinVar aggregate classification (germline): Conflicting classifications of pathogenicity. Review status: criteria provided, conflicting classifications (1 of 4 stars). 2 submissions from 2 submitters: Likely pathogenic (1); Uncertain significance (1). Last evaluated 2022-11-18.

Conditions:
Focal segmental glomerulosclerosis 7 (FSGS7). Identifiers: Orphanet 656, MedGen C4014925, MONDO:0014451, OMIM 616002.
PAX2-Related Disorder. Also called: PAX2-related disorders. Identifiers: MedGen CN381309.

Submissions (2):

PreventionGenetics, part of Exact Sciences
Classification: Uncertain significance for PAX2-related condition. Last evaluated: 2022-11-18. Review status: criteria provided, single submitter. Criteria: ACMG Guidelines, 2015. Collection method: clinical testing. Allele origin: germline.
Comment: The PAX2 c.43+5G>A variant is predicted to interfere with splicing. To our knowledge, this variant has not been reported in the literature or in a large population database, indicating this variant is rare. At this time, the clinical significance of this variant is uncertain due to the absence of conclusive functional and genetic evidence.

Institute of Human Genetics Munich, TUM University Hospital
Classification: Likely pathogenic for Focal segmental glomerulosclerosis 7. Last evaluated: 2019-02-19. Review status: criteria provided, single submitter. Criteria: Classification criteria August 2017. Collection method: clinical testing. Allele origin: maternal. Inheritance: Autosomal dominant inheritance. Affected: yes. Observed: 1 heterozygote.

NM_000278.5(PAX2):c.43+5G>A

Gene: PAX2 (paired box 2; plus strand). Cytogenetic location: 10q24.31.
Variant type: single nucleotide variant.
Coding change: c.43+5G>A on transcript NM_000278.5 (MANE Select); 5 bases into the intron after coding-DNA position 43, G replaced by A.
Molecular consequence: intron variant.
Genome position (GRCh38, 1-based): chr10:100,746,308, G>A. VCF-style: chr10-100746308-G-A. GRCh37 (hg19) VCF-style: chr10-102506065-G-A.
Other names: c.136+5G>A (NM_001304569.2, NM_001374303.1); c.43+5G>A (NM_003987.5, NM_003990.5, NM_003988.5 and 2 more transcripts).
Identifiers: ClinVar variation 807455 (VCV000807455.4), dbSNP rs878853000, ClinGen allele CA915947580.